The following is an entry in ClinVar:

NM_000059.4(BRCA2):c.6334A>T (p.Arg2112Ter)

Gene: BRCA2 (BRCA2 DNA repair associated; plus strand). Cytogenetic location: 13q13.1.
Variant type: single nucleotide variant.
Coding change: c.6334A>T on transcript NM_000059.4 (MANE Select); coding-DNA position 6334, A replaced by T.
Protein change: p.Arg2112Ter; replaces arginine 2112 with a stop codon.
Molecular consequence: nonsense.
Genome position (GRCh38, 1-based): chr13:32,340,689, A>T. VCF-style: chr13-32340689-A-T. GRCh37 (hg19) VCF-style: chr13-32914826-A-T.
Other names: c.6334A>T (NM_000059.3); short protein forms R2112*.
Identifiers: ClinVar variation 1050481 (VCV001050481.2), dbSNP rs2137526529, ClinGen allele CA387789089.
Genomic context (GRCh38, chr13:32,340,689, plus strand): 5'-CTTCACTATTCACCTACGTCTAGACAAAATGTATCAAAAATACTTCCTCGTGTTGATAAG[A>T]GAAACCCAGAGCACTGTGTAAACTCAGAAATGGAAAAAACCTGCAGTAAAGAATTTAAAT-3'

ClinVar aggregate classification (germline): Pathogenic. Review status: criteria provided, single submitter (1 of 4 stars). 2 submissions from 2 submitters: Pathogenic (1). 1 of the submissions does not count toward it. Last evaluated 2025-01-14.

Conditions:
Hereditary cancer-predisposing syndrome. Also called: Tumor predisposition; Hereditary neoplastic syndrome; Hereditary Cancer Syndrome; Neoplastic Syndromes, Hereditary. Identifiers: Orphanet 140162, MedGen C0027672, MeSH D009386, MONDO:0015356.

Submissions (2):

Ambry Genetics
Classification: Pathogenic for Hereditary cancer-predisposing syndrome. Last evaluated: 2025-01-14. Review status: criteria provided, single submitter. Criteria: Ambry Variant Classification Scheme 2023. Collection method: clinical testing. Allele origin: germline.
Comment: The p.R2112* pathogenic mutation (also known as c.6334A>T), located in coding exon 10 of the BRCA2 gene, results from an A to T substitution at nucleotide position 6334. This changes the amino acid from an arginine to a stop codon within coding exon 10. This alteration is expected to result in loss of function by premature protein truncation or nonsense-mediated mRNA decay. As such, this alteration is interpreted as a disease-causing mutation.

Department of Pathology and Laboratory Medicine, Sinai Health System
Classification: Uncertain significance. Review status: no assertion criteria provided. Collection method: clinical testing. Allele origin: unknown. Affected: yes. Observed: 1 variant allele. Study: The Canadian Open Genetics Repository (COGR). Not counted in ClinVar's aggregate classification.